The following is an entry in ClinVar:

NM_006445.4(PRPF8):c.336G>C (p.Gln112His)

Gene: PRPF8 (pre-mRNA processing factor 8; minus strand). Cytogenetic location: 17p13.3.
Variant type: single nucleotide variant.
Coding change: c.336G>C on transcript NM_006445.4 (MANE Select); coding-DNA position 336, G replaced by C.
Protein change: p.Gln112His; replaces glutamine 112 with histidine.
Molecular consequence: missense variant.
Genome position (GRCh38, 1-based): chr17:1,682,227, C>G on the plus strand (G>C on the coding strand, the complement: PRPF8 is on the minus strand). VCF-style: chr17-1682227-C-G. GRCh37 (hg19) VCF-style: chr17-1585521-C-G.
Other names: short protein forms Q112H.
Identifiers: ClinVar variation 1377778 (VCV001377778.6), dbSNP rs779897710, ClinGen allele CA8272656.
Genomic context (GRCh38, chr17:1,682,227, plus strand): 5'-AATCTCATTGACGAAGGAAATGGCTCCAGTGATGTGGTACAGCACAGGCACATCCCGAAT[C>G]TGCTCCCAAGGCATAGGCATGTTCTCCAGGAGTTTGAGGACTGCGTGGGGCATGTACTTT-3'
Protein context (NP_006436.3, residues 102-122): LLENMPMPWE[Gln112His]IRDVPVLYHI

ClinVar aggregate classification (germline): Uncertain significance (1 of 4 stars; one submission).

Allele frequency attached by ClinVar (database versions not stated): gnomAD 0.00001; gnomAD exomes 0.00001; ExAC 0.00002; TOPMed 0.00002.
gnomAD v4.1: 5 of 1,614,054 alleles (0.00031%); highest among the groups gnomAD compares: Admixed American, 0.0067%; no homozygotes.

Submission:

Labcorp Genetics (formerly Invitae), Labcorp
Classification: Uncertain significance. Last evaluated: 2021-09-09. Review status: criteria provided, single submitter. Criteria: Invitae Variant Classification Sherloc (09022015). Collection method: clinical testing. Allele origin: germline.
Comment: This variant has not been reported in the literature in individuals affected with PRPF8-related conditions. In summary, the available evidence is currently insufficient to determine the role of this variant in disease. Therefore, it has been classified as a Variant of Uncertain Significance. Algorithms developed to predict the effect of missense changes on protein structure and function are either unavailable or do not agree on the potential impact of this missense change (SIFT: "Deleterious"; PolyPhen-2: "Possibly Damaging"; Align-GVGD: "Class C0"). The frequency data for this variant in the population databases is considered unreliable, as metrics indicate poor data quality at this position in the ExAC database. This sequence change replaces glutamine with histidine at codon 112 of the PRPF8 protein (p.Gln112His). The glutamine residue is highly conserved and there is a small physicochemical difference between glutamine and histidine.